The following is an entry in ClinVar:

NM_001170629.2(CHD8):c.7335C>T (p.Asn2445=)

Gene: CHD8 (chromodomain helicase DNA binding protein 8; minus strand). Cytogenetic location: 14q11.2.
Variant type: single nucleotide variant.
Coding change: c.7335C>T on transcript NM_001170629.2 (MANE Select); coding-DNA position 7335, C replaced by T.
Protein change: p.Asn2445=; no amino-acid change (asparagine 2445 retained).
Molecular consequence: synonymous variant.
Genome position (GRCh38, 1-based): chr14:21,386,024, G>A on the plus strand (C>T on the coding strand, the complement: CHD8 is on the minus strand). VCF-style: chr14-21386024-G-A. GRCh37 (hg19) VCF-style: chr14-21854183-G-A.
Other names: c.6498C>T, p.Asn2166= (NM_020920.4).
Identifiers: ClinVar variation 2893784 (VCV002893784.11), dbSNP rs753603456, ClinGen allele CA7090554.
Genomic context (GRCh38, chr14:21,386,024, plus strand): 5'-GGCACTGCTGTGACCCAAAGATGACACAGACTGTAGGCCACTACTGCTGTGTTGGAACGT[G>A]TTATGCAGAGATAGAGACCCAGTGCTTCCACCCTGCATGAGGGCCATCATCTTAGAAAGG-3'
Protein context (NP_001164100.1, residues 2435-2455): GGSTGSLSLH[Asn2445=]TFQHSSSGLQ

ClinVar aggregate classification (germline): Likely benign. Review status: criteria provided, multiple submitters, no conflicts (2 of 4 stars). 2 submissions from 2 submitters: Likely benign (2). Last evaluated 2026-05-01.

Allele frequency attached by ClinVar (database versions not stated): ExAC 0.00005; gnomAD 0.00007; TOPMed 0.00007; gnomAD exomes 0.00009.
gnomAD v4.1: 156 of 1,596,576 alleles (0.0098%); highest among the groups gnomAD compares: Non-Finnish European, 0.012%; no homozygotes.

Submissions (2):

CeGaT Center for Human Genetics Tuebingen
Classification: Likely benign. Last evaluated: 2026-05-01. Review status: criteria provided, single submitter. Criteria: CeGaT Center For Human Genetics Tuebingen Variant Classification Criteria Version 2. Collection method: clinical testing. Allele origin: germline. Affected: yes. Observed: 2 variant alleles.
Comment: CHD8: BP4, BP7

Labcorp Genetics (formerly Invitae), Labcorp
Classification: Likely benign. Last evaluated: 2026-01-31. Review status: criteria provided, single submitter. Criteria: Invitae Variant Classification Sherloc (09022015). Collection method: clinical testing. Allele origin: germline.